The following is an entry in ClinVar:

ClinVar aggregate classification (germline): Benign/Likely benign. Review status: criteria provided, multiple submitters, no conflicts (2 of 4 stars). 2 submissions from 2 submitters: Benign (1); Likely benign (1). Last evaluated 2026-04-27.

Conditions:
Colorectal cancer, susceptibility to, 1. Also called: COLORECTAL ADENOMA AND CANCER, SUSCEPTIBILITY TO; COLORECTAL CANCER, SUSCEPTIBILITY TO, ON CHROMOSOME 9. Identifiers: MedGen C1837315, MONDO:0012132, OMIM 608812.

Allele frequency attached by ClinVar (database versions not stated): gnomAD 0.00003; ExAC 0.00001; ESP Exome Variant Server 0.00008; TOPMed 0.00003.
gnomAD v4.1: 5 of 1,614,040 alleles (0.00031%); highest among the groups gnomAD compares: African/African-American, 0.0067%; no homozygotes.

Submissions (2):

Myriad Genetics, Inc.
Classification: Benign for Colorectal cancer, susceptibility to, 1. Last evaluated: 2026-04-27. Review status: criteria provided, single submitter. Criteria: Myriad Autosomal Dominant, Autosomal Recessive and X-Linked Classification Criteria (2023). Collection method: clinical testing. Allele origin: unknown.
Comment: This variant is considered benign. This variant is a silent/synonymous amino acid change and it is not expected to impact splicing.

Ambry Genetics
Classification: Likely benign. Last evaluated: 2022-04-11. Review status: criteria provided, single submitter. Criteria: Ambry Variant Classification Scheme 2023. Collection method: clinical testing. Allele origin: germline.

NM_024642.5(GALNT12):c.1524T>C (p.Ala508=)

Gene: GALNT12 (polypeptide N-acetylgalactosaminyltransferase 12; plus strand). Cytogenetic location: 9q22.33.
Variant type: single nucleotide variant.
Coding change: c.1524T>C on transcript NM_024642.5 (MANE Select); coding-DNA position 1524, T replaced by C.
Protein change: p.Ala508=; no amino-acid change (alanine 508 retained).
Molecular consequence: synonymous variant.
Genome position (GRCh38, 1-based): chr9:98,846,042, T>C. VCF-style: chr9-98846042-T-C. GRCh37 (hg19) VCF-style: chr9-101608324-T-C.
Identifiers: ClinVar variation 1774504 (VCV001774504.3), dbSNP rs372665132, ClinGen allele CA5154307.
Genomic context (GRCh38, chr9:98,846,042, plus strand): 5'-CGAGTACACGTCCCAGAAAGAAATACGCTATAACACCCACCAGCCTGAGGGCTGCATTGC[T>C]GTGGAAGCAGGAATGGATACCCTTATCATGCATCTCTGCGAAGAAACTGCCCCAGAGAAT-3'
Protein context (NP_078918.3, residues 498-518): YNTHQPEGCI[Ala508=]VEAGMDTLIM